The following is an entry in ClinVar:

ClinVar aggregate classification (germline): Uncertain significance (1 of 4 stars; one submission).

Conditions:
Cornelia de Lange syndrome 5 (CDLS5). Also called: HDAC8-Related Cornelia de Lange Syndrome. Identifiers: Orphanet 199, MedGen C3550903, MONDO:0010471, OMIM 300882.

Allele frequency attached by ClinVar (database versions not stated): TOPMed 0.00001; gnomAD 0.00003.
gnomAD v4.1: 3 of 1,209,292 alleles (0.00025%); highest among the groups gnomAD compares: Non-Finnish European, 0.00034%; no homozygotes.

Submission:

Labcorp Genetics (formerly Invitae), Labcorp
Classification: Uncertain significance for Cornelia de Lange syndrome 5. Last evaluated: 2022-05-04. Review status: criteria provided, single submitter. Criteria: Invitae Variant Classification Sherloc (09022015). Collection method: clinical testing. Allele origin: germline.
Comment: In summary, the available evidence is currently insufficient to determine the role of this variant in disease. Therefore, it has been classified as a Variant of Uncertain Significance. Advanced modeling of protein sequence and biophysical properties (such as structural, functional, and spatial information, amino acid conservation, physicochemical variation, residue mobility, and thermodynamic stability) performed at Invitae indicates that this missense variant is not expected to disrupt HDAC8 protein function. This variant has not been reported in the literature in individuals affected with HDAC8-related conditions. This variant is present in population databases (no rsID available, gnomAD 0.01%). This sequence change replaces alanine, which is neutral and non-polar, with threonine, which is neutral and polar, at codon 104 of the HDAC8 protein (p.Ala104Thr).

NM_018486.3(HDAC8):c.310G>A (p.Ala104Thr)

Gene: HDAC8 (histone deacetylase 8; minus strand). Cytogenetic location: Xq13.1.
Variant type: single nucleotide variant.
Coding change: c.310G>A on transcript NM_018486.3 (MANE Select); coding-DNA position 310, G replaced by A.
Protein change: p.Ala104Thr; replaces alanine 104 with threonine.
Molecular consequence: missense variant. On other transcripts: intron variant (2).
Genome position (GRCh38, 1-based): chrX:72,568,016, C>T on the plus strand (G>A on the coding strand, the complement: HDAC8 is on the minus strand). VCF-style: chrX-72568016-C-T. GRCh37 (hg19) VCF-style: chrX-71787866-C-T.
Other names: c.310G>A, p.Ala104Thr (NM_001166419.2, NM_001166420.2, NM_001166422.2 and 4 more transcripts); c.164+4041G>A (NM_001166418.2, NM_001166448.2); short protein forms A104T.
Identifiers: ClinVar variation 2088828 (VCV002088828.4), dbSNP rs1394451683, ClinGen allele CA413574791.